The following is an entry in ClinVar:

ClinVar aggregate classification (germline): Uncertain significance (1 of 4 stars; one submission).

Conditions:
Central core myopathy (CMYO1A). Also called: CONGENITAL MYOPATHY 1A, AUTOSOMAL DOMINANT, WITH SUSCEPTIBILITY TO MALIGNANT HYPERTHERMIA; Central core disease; Myopathy, central fibrillar. Identifiers: Orphanet 597, MedGen C5830701, MONDO:0007294, OMIM 117000.

Submission:

MVZ Medizinische Genetik Mainz
Classification: Uncertain significance for Central core myopathy. Last evaluated: 2023-02-24. Review status: criteria provided, single submitter. Criteria: UK Practice Guidelines For Variant Classification V4 01 2020. Collection method: clinical testing. Allele origin: germline. Inheritance: Autosomal recessive inheritance. Affected: yes. Observed: 1 variant allele.
Comment: ACMG Criteria: PM2_SUP,PP3

NM_000540.3(RYR1):c.2812G>T (p.Val938Leu)

Gene: RYR1 (ryanodine receptor 1; plus strand). Cytogenetic location: 19q13.2.
Variant type: single nucleotide variant.
Coding change: c.2812G>T on transcript NM_000540.3 (MANE Select); coding-DNA position 2812, G replaced by T.
Protein change: p.Val938Leu; replaces valine 938 with leucine.
Molecular consequence: missense variant.
Genome position (GRCh38, 1-based): chr19:38,464,664, G>T. VCF-style: chr19-38464664-G-T. GRCh37 (hg19) VCF-style: chr19-38955304-G-T.
Other names: c.2812G>T, p.Val938Leu (NM_001042723.2); short protein forms V938L.
Identifiers: ClinVar variation 3066192 (VCV003066192.1), dbSNP rs369182023, ClinGen allele CA405633390.